The following is an entry in ClinVar:

NM_000484.4(APP):c.1058C>T (p.Thr353Ile)

Gene: APP (amyloid beta precursor protein; minus strand). Cytogenetic location: 21q21.3.
Variant type: single nucleotide variant.
Coding change: c.1058C>T on transcript NM_000484.4 (MANE Select); coding-DNA position 1058, C replaced by T.
Protein change: p.Thr353Ile; replaces threonine 353 with isoleucine.
Molecular consequence: missense variant. On other transcripts: intron variant (7).
Genome position (GRCh38, 1-based): chr21:25,997,392, G>A on the plus strand (C>T on the coding strand, the complement: APP is on the minus strand). VCF-style: chr21-25997392-G-A. GRCh37 (hg19) VCF-style: chr21-27369707-G-A.
Other names: c.890C>T, p.Thr297Ile (NM_001136130.3, NM_001385253.1); c.1058C>T, p.Thr353Ile (NM_001204301.2); c.761-14915C>T (NM_001136131.3); c.698-14915C>T (NM_001136129.3); c.866-14915C>T (NM_001204303.2, NM_201414.3); c.1033+2623C>T (NM_001204302.2, NM_201413.3); c.1018+2623C>T (NM_001136016.3); short protein forms T297I, T353I.
Identifiers: ClinVar variation 4686380 (VCV004686380.1).

ClinVar aggregate classification (germline): Uncertain significance (1 of 4 stars; one submission).

Submission:

GeneDx
Classification: Uncertain significance. Last evaluated: 2025-07-14. Review status: criteria provided, single submitter. Criteria: GeneDx Variant Classification Process June 2021. Collection method: clinical testing. Allele origin: germline. Affected: yes.
Comment: Not observed at significant frequency in large population cohorts (gnomAD); In silico analysis suggests that this missense variant does not alter protein structure/function; Has not been previously published as pathogenic or benign to our knowledge